The following is an entry in ClinVar:

ClinVar aggregate classification (germline): Uncertain significance (1 of 4 stars; one submission).

gnomAD v4.1: 2 of 1,614,098 alleles (0.00012%); highest among the groups gnomAD compares: Admixed American, 0.0033%; no homozygotes.

Submission:

Labcorp Genetics (formerly Invitae), Labcorp
Classification: Uncertain significance. Last evaluated: 2021-08-11. Review status: criteria provided, single submitter. Criteria: Invitae Variant Classification Sherloc (09022015). Collection method: clinical testing. Allele origin: germline.
Comment: This sequence change replaces valine with leucine at codon 1407 of the FAT4 protein (p.Val1407Leu). The valine residue is highly conserved and there is a small physicochemical difference between valine and leucine. This variant is not present in population databases (ExAC no frequency). This variant has not been reported in the literature in individuals affected with FAT4-related conditions. Advanced modeling of protein sequence and biophysical properties (such as structural, functional, and spatial information, amino acid conservation, physicochemical variation, residue mobility, and thermodynamic stability) performed at Invitae indicates that this missense variant is not expected to disrupt FAT4 protein function. In summary, the available evidence is currently insufficient to determine the role of this variant in disease. Therefore, it has been classified as a Variant of Uncertain Significance.

NM_001291303.3(FAT4):c.4219G>C (p.Val1407Leu)

Gene: FAT4 (FAT atypical cadherin 4; plus strand). Cytogenetic location: 4q28.1.
Variant type: single nucleotide variant.
Coding change: c.4219G>C on transcript NM_001291303.3 (MANE Select); coding-DNA position 4219, G replaced by C.
Protein change: p.Val1407Leu; replaces valine 1407 with leucine.
Molecular consequence: missense variant.
Genome position (GRCh38, 1-based): chr4:125,320,630, G>C. VCF-style: chr4-125320630-G-C. GRCh37 (hg19) VCF-style: chr4-126241785-G-C.
Other names: c.4219G>C, p.Val1407Leu (NM_001291285.3, NM_024582.6); short protein forms V1407L.
Identifiers: ClinVar variation 1463734 (VCV001463734.3), dbSNP rs114227532, ClinGen allele CA358125936.